The following is an entry in ClinVar:

NM_000295.5(SERPINA1):c.681C>T (p.Thr227=)

Gene: SERPINA1 (serpin family A member 1; minus strand). Cytogenetic location: 14q32.13.
Variant type: single nucleotide variant.
Coding change: c.681C>T on transcript NM_000295.5 (MANE Select); coding-DNA position 681, C replaced by T.
Protein change: p.Thr227=; no amino-acid change (threonine 227 retained).
Molecular consequence: synonymous variant.
Genome position (GRCh38, 1-based): chr14:94,381,107, G>A on the plus strand (C>T on the coding strand, the complement: SERPINA1 is on the minus strand). VCF-style: chr14-94381107-G-A. GRCh37 (hg19) VCF-style: chr14-94847444-G-A.
Other names: c.681C>T (NM_000295.4); c.681C>T, p.Thr227= (NM_001002235.3, NM_001002236.3, NM_001127700.2 and 7 more transcripts).
Identifiers: ClinVar variation 1122894 (VCV001122894.10), dbSNP rs766320203, ClinGen allele CA7327430.

ClinVar aggregate classification (germline): Likely benign. Review status: criteria provided, multiple submitters, no conflicts (2 of 4 stars). 2 submissions from 2 submitters: Likely benign (2). Last evaluated 2025-10-27.

Conditions:
SERPINA1-related disorder. Also called: SerpinA1-related disorders; SERPINA1-related condition.
Alpha-1-antitrypsin deficiency (A1ATD). Also called: AAT deficiency; A1AT deficiency; Alpha1-Antitrypsin Deficiency. Identifiers: Orphanet 60, MedGen C0221757, MONDO:0013282, OMIM 613490.

Allele frequency attached by ClinVar (database versions not stated): TOPMed 0.00003; gnomAD 0.00004 and 0.00005; ExAC 0.00006; gnomAD exomes 0.00008.
gnomAD v4.1: 47 of 1,613,300 alleles (0.0029%); highest among the groups gnomAD compares: Admixed American, 0.017%; no homozygotes.

Submissions (2):

Labcorp Genetics (formerly Invitae), Labcorp
Classification: Likely benign for Alpha-1-antitrypsin deficiency. Last evaluated: 2025-10-27. Review status: criteria provided, single submitter. Criteria: Invitae Variant Classification Sherloc (09022015). Collection method: clinical testing. Allele origin: germline.

PreventionGenetics, part of Exact Sciences
Classification: Likely benign for SERPINA1-related condition. Last evaluated: 2025-03-24. Review status: criteria provided, single submitter. Criteria: ACMG Guidelines, 2015. Collection method: clinical testing. Allele origin: germline.
Comment: This variant is classified as likely benign based on ACMG/AMP sequence variant interpretation guidelines (Richards et al. 2015 PMID: 25741868, with internal and published modifications).